The following is an entry in ClinVar:

ClinVar aggregate classification (germline): Uncertain significance. Review status: criteria provided, single submitter (1 of 4 stars). 2 submissions from 2 submitters: Uncertain significance (1). 1 of the submissions does not count toward it. Last evaluated 2025-08-30.

Conditions:
CACNA1I-related disorder. Also called: CACNA1I-related condition.

Allele frequency attached by ClinVar (database versions not stated): ExAC 0.00013; 1000 Genomes Project 30x 0.00187; 1000 Genomes Project 0.00200.
gnomAD v4.1: 566 of 1,495,674 alleles (0.038%); highest among the groups gnomAD compares: African/African-American, 0.75%; 2 homozygotes.

Submissions (2):

Ambry Genetics
Classification: Uncertain significance. Last evaluated: 2025-08-30. Review status: criteria provided, single submitter. Criteria: Ambry Variant Classification Scheme 2023. Collection method: clinical testing. Allele origin: germline.

PreventionGenetics, part of Exact Sciences
Classification: Likely benign for CACNA1I-related condition. Last evaluated: 2019-05-07. Review status: no assertion criteria provided. Collection method: clinical testing. Allele origin: germline. Not counted in ClinVar's aggregate classification.
Comment: This variant is classified as likely benign based on ACMG/AMP sequence variant interpretation guidelines (Richards et al. 2015 PMID: 25741868, with internal and published modifications).

NM_021096.4(CACNA1I):c.6061C>T (p.Pro2021Ser)

Gene: CACNA1I (calcium voltage-gated channel subunit alpha1 I; plus strand). Cytogenetic location: 22q13.1.
Variant type: single nucleotide variant.
Coding change: c.6061C>T on transcript NM_021096.4 (MANE Select); coding-DNA position 6061, C replaced by T.
Protein change: p.Pro2021Ser; replaces proline 2021 with serine.
Molecular consequence: missense variant.
Genome position (GRCh38, 1-based): chr22:39,685,794, C>T. VCF-style: chr22-39685794-C-T. GRCh37 (hg19) VCF-style: chr22-40081799-C-T.
Other names: c.5956C>T, p.Pro1986Ser (NM_001003406.2); short protein forms P1986S, P2021S.
Identifiers: ClinVar variation 3037874 (VCV003037874.3), dbSNP rs577064389, ClinGen allele CA10245192.